The following is an entry in ClinVar:

NM_005876.5(SPEG):c.8808G>C (p.Lys2936Asn)

Genes: ASIC4-AS1 (ASIC4 antisense RNA 1; minus strand), SPEG (striated muscle enriched protein kinase; plus strand). Cytogenetic location: 2q35.
Variant type: single nucleotide variant.
Coding change: c.8808G>C on transcript NM_005876.5 (MANE Select); coding-DNA position 8808, G replaced by C.
Protein change: p.Lys2936Asn; replaces lysine 2936 with asparagine.
Molecular consequence: missense variant.
Genome position (GRCh38, 1-based): chr2:219,489,826, G>C. VCF-style: chr2-219489826-G-C. GRCh37 (hg19) VCF-style: chr2-220354548-G-C.
Other names: short protein forms K2936N.
Identifiers: ClinVar variation 1937212 (VCV001937212.5), dbSNP rs1406651117, ClinGen allele CA350712809.

ClinVar aggregate classification (germline): Uncertain significance (1 of 4 stars; one submission).

gnomAD v4.1: 1 of 1,613,540 alleles (0.000062%); highest among the groups gnomAD compares: Admixed American, 0.0017%; no homozygotes.

Submission:

Labcorp Genetics (formerly Invitae), Labcorp
Classification: Uncertain significance. Last evaluated: 2025-08-20. Review status: criteria provided, single submitter. Criteria: Invitae Variant Classification Sherloc (09022015). Collection method: clinical testing. Allele origin: germline.
Comment: This sequence change replaces lysine, which is basic and polar, with asparagine, which is neutral and polar, at codon 2936 of the SPEG protein (p.Lys2936Asn). This variant is present in population databases (no rsID available, gnomAD 0.003%). This variant has not been reported in the literature in individuals affected with SPEG-related conditions. ClinVar contains an entry for this variant (Variation ID: 1937212). An algorithm developed to predict the effect of missense changes on protein structure and function (PolyPhen-2) suggests that this variant is likely to be tolerated. In summary, the available evidence is currently insufficient to determine the role of this variant in disease. Therefore, it has been classified as a Variant of Uncertain Significance.